The following is an entry in ClinVar:

ClinVar aggregate classification (germline): Uncertain significance (1 of 4 stars; one submission).

gnomAD v4.1: 4 of 1,614,066 alleles (0.00025%); highest among the groups gnomAD compares: Non-Finnish European, 0.00034%; no homozygotes.

Submission:

Athena Diagnostics
Classification: Uncertain significance. Last evaluated: 2024-12-10. Review status: criteria provided, single submitter. Criteria: Athena Diagnostics Criteria. Collection method: clinical testing. Allele origin: unknown.
Comment: Available data are insufficient to determine the clinical significance of the variant at this time. The frequency of this variant in the general population is uninformative in assessment of its pathogenicity. This variant has been seen where an alternate explanation for disease was also identified, suggesting this variant may not cause disease. Polyphen and MutationTaster yielded discordant predictions regarding whether this amino acid change is damaging to the protein.

NM_182961.4(SYNE1):c.5984A>G (p.Glu1995Gly)

Gene: SYNE1 (spectrin repeat containing nuclear envelope protein 1; minus strand). Cytogenetic location: 6q25.2.
Variant type: single nucleotide variant.
Coding change: c.5984A>G on transcript NM_182961.4 (MANE Select); coding-DNA position 5984, A replaced by G.
Protein change: p.Glu1995Gly; replaces glutamic acid 1995 with glycine.
Molecular consequence: missense variant.
Genome position (GRCh38, 1-based): chr6:152,416,453, T>C on the plus strand (A>G on the coding strand, the complement: SYNE1 is on the minus strand). VCF-style: chr6-152416453-T-C. GRCh37 (hg19) VCF-style: chr6-152737588-T-C.
Other names: c.6005A>G, p.Glu2002Gly (NM_033071.5); short protein forms E2002G, E1995G.
Identifiers: ClinVar variation 3571809 (VCV003571809.2).
Genomic context (GRCh38, chr6:152,416,453, plus strand): 5'-TGAAGAGCTTGGCGGGTAGGTTCTTTCAATCGCTCTTTGTCAGTCCTTTCTTCAATGTCC[T>C]CAATGCTTTTCAGAAGCTCCTCTTTCTGGTCTTGGAATGCTTTTTTCAACACTGCCAGAG-3'
Protein context (NP_892006.3, residues 1985-2005): DQKEELLKSI[Glu1995Gly]DIEERTDKER